The following is an entry in ClinVar:

ClinVar aggregate classification (germline): Likely benign. Review status: criteria provided, multiple submitters, no conflicts (2 of 4 stars). 2 submissions from 2 submitters: Likely benign (2). Last evaluated 2026-01-04.

Allele frequency attached by ClinVar (database versions not stated): gnomAD 0.00001 and 0.00002; gnomAD exomes 0.00001; TOPMed 0.00001; ExAC 0.00002.
gnomAD v4.1: 20 of 1,554,956 alleles (0.0013%); highest among the groups gnomAD compares: Middle Eastern, 0.017%; no homozygotes.

Submissions (2):

Labcorp Genetics (formerly Invitae), Labcorp
Classification: Likely benign. Last evaluated: 2026-01-04. Review status: criteria provided, single submitter. Criteria: Invitae Variant Classification Sherloc (09022015). Collection method: clinical testing. Allele origin: germline.

CeGaT Center for Human Genetics Tuebingen
Classification: Likely benign. Last evaluated: 2025-08-01. Review status: criteria provided, single submitter. Criteria: CeGaT Center For Human Genetics Tuebingen Variant Classification Criteria Version 2. Collection method: clinical testing. Allele origin: germline. Affected: yes. Observed: 1 variant allele.
Comment: BCL11B: BP4, BP7

NM_138576.4(BCL11B):c.54C>T (p.Ile18=)

Gene: BCL11B (BCL11 transcription factor B; minus strand). Cytogenetic location: 14q32.2.
Variant type: single nucleotide variant.
Coding change: c.54C>T on transcript NM_138576.4 (MANE Select); coding-DNA position 54, C replaced by T.
Protein change: p.Ile18=; no amino-acid change (isoleucine 18 retained).
Molecular consequence: synonymous variant.
Genome position (GRCh38, 1-based): chr14:99,271,165, G>A on the plus strand (C>T on the coding strand, the complement: BCL11B is on the minus strand). VCF-style: chr14-99271165-G-A. GRCh37 (hg19) VCF-style: chr14-99737502-G-A.
Other names: c.54C>T, p.Ile18= (NM_001282237.2, NM_001282238.2, NM_022898.3).
Identifiers: ClinVar variation 1641303 (VCV001641303.16), dbSNP rs766213813, ClinGen allele CA7339963.